The following is an entry in ClinVar:

ClinVar aggregate classification (germline): Pathogenic (1 of 4 stars; one submission).

Conditions:
Cardiac anomalies - developmental delay - facial dysmorphism syndrome (MRFACD). Also called: MED13L Syndrome; Impaired intellectual development and distinctive facial features with or without cardiac defects. Identifiers: Orphanet 369891, MedGen C5192431, MONDO:0014773, OMIM 616789.

Submission:

Victorian Clinical Genetics Services, Murdoch Childrens Research Institute
Classification: Pathogenic for Cardiac anomalies - developmental delay - facial dysmorphism syndrome. Last evaluated: 2019-08-28. Review status: criteria provided, single submitter. Criteria: ACMG Guidelines, 2015. Collection method: clinical testing. Allele origin: germline. Inheritance: Autosomal dominant inheritance. Affected: yes.
Comment: A heterozygous deletion variant was identified, NM_015335.4(MED13L):c.3383_3384delTT in exon 17 of 31 of the MED13L gene. This deletion is predicted to create a change of a phenylalanine to a stop at amino acid position 1128 of the protein, NP_056150.1(MED13L):p.(Phe1128*). The variant is predicted to result in loss of protein function through nonsense-mediated decay, which is a reported mechanism of pathogenicity for this gene. The variant is not present in the gnomAD population database and has not been previously reported in clinical cases. Multiple variants predicted to cause NMD have been reported as pathogenic in individuals with intellectual disability (ClinVar). Analysis of parental samples indicated this variant to be de novo. Based on information available at the time of curation, this variant has been classified as PATHOGENIC.

NM_015335.5(MED13L):c.3383_3384del (p.Asn1127_Phe1128insTer)

Gene: MED13L (mediator complex subunit 13L; minus strand). Cytogenetic location: 12q24.21.
Variant type: Deletion.
Coding change: c.3383_3384del on transcript NM_015335.5 (MANE Select); coding-DNA positions 3383 to 3384, 2 bases deleted (TT; older notation c.3383_3384delTT).
Protein change: p.Asn1127_Phe1128insTer.
Molecular consequence: nonsense.
Genome position (GRCh38, 1-based): chr12:115,991,570-115,991,571, AA deleted on the plus strand (TT on the coding strand, the reverse complement: MED13L is on the minus strand); deleting any 2 consecutive bases within chr12:115,991,570-115,991,572 gives the same sequence; the c. name uses the placement nearest the transcript's 3' end. VCF-style (leftmost placement, unchanged base first): chr12-115991569-CAA-C. GRCh37 (hg19) VCF-style: chr12-116429374-CAA-C.
Identifiers: ClinVar variation 1805357 (VCV001805357.1), dbSNP rs2499856913, ClinGen allele CA913203532.